The following is an entry in ClinVar:

ClinVar aggregate classification (germline): Uncertain significance (1 of 4 stars; one submission).

Conditions:
Adams-Oliver syndrome 5 (AOS5). Identifiers: Orphanet 974, MedGen C4014970, MONDO:0014459, OMIM 616028.

Submission:

Labcorp Genetics (formerly Invitae), Labcorp
Classification: Uncertain significance for Adams-Oliver syndrome 5. Last evaluated: 2020-11-13. Review status: criteria provided, single submitter. Criteria: Invitae Variant Classification Sherloc (09022015). Collection method: clinical testing. Allele origin: germline.
Comment: This variant is not present in population databases (ExAC no frequency). This sequence change replaces tyrosine with phenylalanine at codon 125 of the NOTCH1 protein (p.Tyr125Phe). The tyrosine residue is highly conserved and there is a small physicochemical difference between tyrosine and phenylalanine. This variant has not been reported in the literature in individuals with NOTCH1-related conditions. Advanced modeling of protein sequence and biophysical properties (such as structural, functional, and spatial information, amino acid conservation, physicochemical variation, residue mobility, and thermodynamic stability) performed at Invitae indicates that this missense variant is not expected to disrupt NOTCH1 protein function. In summary, the available evidence is currently insufficient to determine the role of this variant in disease. Therefore, it has been classified as a Variant of Uncertain Significance.

NM_017617.5(NOTCH1):c.374A>T (p.Tyr125Phe)

Gene: NOTCH1 (notch receptor 1; minus strand). Cytogenetic location: 9q34.3.
Variant type: single nucleotide variant.
Coding change: c.374A>T on transcript NM_017617.5 (MANE Select); coding-DNA position 374, A replaced by T.
Protein change: p.Tyr125Phe; replaces tyrosine 125 with phenylalanine.
Molecular consequence: missense variant.
Genome position (GRCh38, 1-based): chr9:136,523,746, T>A on the plus strand (A>T on the coding strand, the complement: NOTCH1 is on the minus strand). VCF-style: chr9-136523746-T-A. GRCh37 (hg19) VCF-style: chr9-139418198-T-A.
Other names: short protein forms Y125F.
Identifiers: ClinVar variation 1052402 (VCV001052402.9), dbSNP rs779240492, ClinGen allele CA375572527.